The following is an entry in ClinVar:

NM_012062.5(DNM1L):c.1150C>T (p.Leu384Phe)

Gene: DNM1L (dynamin 1 like; plus strand). Cytogenetic location: 12p11.21.
Variant type: single nucleotide variant.
Coding change: c.1150C>T on transcript NM_012062.5 (MANE Select); coding-DNA position 1150, C replaced by T.
Protein change: p.Leu384Phe; replaces leucine 384 with phenylalanine.
Molecular consequence: missense variant.
Genome position (GRCh38, 1-based): chr12:32,731,084, C>T. VCF-style: chr12-32731084-C-T. GRCh37 (hg19) VCF-style: chr12-32884018-C-T.
Other names: c.1150C>T, p.Leu384Phe (NM_001278463.2, NM_005690.5, NM_012063.4); c.1189C>T, p.Leu397Phe (NM_001278464.2, NM_001278465.2, NM_001330380.2); c.541C>T, p.Leu181Phe (NM_001278466.2); short protein forms L181F, L397F, L384F.
Identifiers: ClinVar variation 3019814 (VCV003019814.3), dbSNP rs753816187, ClinGen allele CA384357386.
Genomic context (GRCh38, chr12:32,731,084, plus strand): 5'-GCTAGAATTTGTTATATTTTCCATGAGACTTTTGGGCGAACCTTAGAATCTGTTGATCCA[C>T]TTGGTGGCCTTAACACTATTGACATTTTGACTGCCATTAGAAATGCTACTGTGAGTATGT-3'
Protein context (NP_036192.2, residues 374-394): FGRTLESVDP[Leu384Phe]GGLNTIDILT

ClinVar aggregate classification (germline): Uncertain significance (1 of 4 stars; one submission).

Allele frequency attached by ClinVar (database versions not stated): TOPMed below 0.00001.
gnomAD v4.1: 2 of 1,613,868 alleles (0.00012%); highest among the groups gnomAD compares: Non-Finnish European, 0.000085%; no homozygotes.

Submission:

Labcorp Genetics (formerly Invitae), Labcorp
Classification: Uncertain significance. Last evaluated: 2025-03-27. Review status: criteria provided, single submitter. Criteria: Invitae Variant Classification Sherloc (09022015). Collection method: clinical testing. Allele origin: germline.
Comment: This sequence change replaces leucine, which is neutral and non-polar, with phenylalanine, which is neutral and non-polar, at codon 384 of the DNM1L protein (p.Leu384Phe). This variant is not present in population databases (gnomAD no frequency). This variant has not been reported in the literature in individuals affected with DNM1L-related conditions. ClinVar contains an entry for this variant (Variation ID: 3019814). An algorithm developed to predict the effect of missense changes on protein structure and function (PolyPhen-2) suggests that this variant is likely to be tolerated. In summary, the available evidence is currently insufficient to determine the role of this variant in disease. Therefore, it has been classified as a Variant of Uncertain Significance.